The following is an entry in ClinVar:

NM_000264.5(PTCH1):c.288A>T (p.Lys96Asn)

Gene: PTCH1 (patched 1; minus strand). Cytogenetic location: 9q22.32.
Variant type: single nucleotide variant.
Coding change: c.288A>T on transcript NM_000264.5 (MANE Select); coding-DNA position 288, A replaced by T.
Protein change: p.Lys96Asn; replaces lysine 96 with asparagine.
Molecular consequence: missense variant. On other transcripts: non-coding transcript variant (1), 5 prime UTR variant (4).
Genome position (GRCh38, 1-based): chr9:95,506,513, T>A on the plus strand (A>T on the coding strand, the complement: PTCH1 is on the minus strand). VCF-style: chr9-95506513-T-A. GRCh37 (hg19) VCF-style: chr9-98268795-T-A.
Other names: c.90A>T, p.Lys30Asn (NM_001083602.3, NM_001354919.2); c.285A>T, p.Lys95Asn (NM_001083603.3); c.-166A>T (NM_001083604.3, NM_001083605.3, NM_001083606.3 and 1 more transcripts); c.288A>T, p.Lys96Asn (NM_001354918.2); short protein forms K96N, K30N, K95N.
Identifiers: ClinVar variation 5027555 (VCV005027555.1).
Genomic context (GRCh38, chr9:95,506,513, plus strand): 5'-TAATCCCACCGCGAAGGCCCCAAATATGAGGAGGCCCACAACCAAGAACTTGCCGCAGTT[T>A]TTTTGAATGTAACAACCCAGTTTAAATAAGAGTCTCTGAAACTTCGCTCTCAGCCACAGC-3'
Protein context (NP_000255.2, residues 86-106): LLFKLGCYIQ[Lys96Asn]NCGKFLVVGL

ClinVar aggregate classification (germline): Uncertain significance (1 of 4 stars; one submission).

Conditions:
Hereditary cancer-predisposing syndrome. Also called: Neoplastic Syndromes, Hereditary; Tumor predisposition; Hereditary neoplastic syndrome; Hereditary Cancer Syndrome. Identifiers: Orphanet 140162, MedGen C0027672, MeSH D009386, MONDO:0015356.

Submission:

Ambry Genetics
Classification: Uncertain significance for Hereditary cancer-predisposing syndrome. Last evaluated: 2026-08-28. Review status: criteria provided, single submitter. Criteria: Ambry Variant Classification Scheme 2023. Collection method: clinical testing. Allele origin: germline.
Comment: The p.K96N variant (also known as c.288A>T), located in coding exon 2 of the PTCH1 gene, results from an A to T substitution at nucleotide position 288. The lysine at codon 96 is replaced by asparagine, an amino acid with similar properties. This amino acid position is well conserved in available vertebrate species. In addition, the in silico prediction for this alteration is inconclusive. Based on the available evidence, the clinical significance of this variant remains unclear.